The following is an entry in ClinVar:

ClinVar aggregate classification (germline): Uncertain significance (1 of 4 stars; one submission).

Conditions:
Aicardi-Goutieres syndrome 7 (AGS7). Identifiers: Orphanet 51, MedGen C3888244, MONDO:0014367, OMIM 615846.
Singleton-Merten syndrome 1 (SGMRT1). Also called: Widened medullary cavities of bone, aortic calcification, abnormal dentition, and muscular weakness; Syndrome of widened medullary cavities of the metacarpals and phalanges, aortic calcification and abnormal dentition. Identifiers: Orphanet 85191, MedGen C4225427, MONDO:0024535, OMIM 182250.

Submission:

Labcorp Genetics (formerly Invitae), Labcorp
Classification: Uncertain significance for Aicardi-Goutieres syndrome 7; Singleton-Merten syndrome 1. Last evaluated: 2023-05-03. Review status: criteria provided, single submitter. Criteria: Invitae Variant Classification Sherloc (09022015). Collection method: clinical testing. Allele origin: germline.
Comment: In summary, the available evidence is currently insufficient to determine the role of this variant in disease. Therefore, it has been classified as a Variant of Uncertain Significance. Algorithms developed to predict the effect of sequence changes on RNA splicing suggest that this variant may disrupt the consensus splice site. This variant has not been reported in the literature in individuals affected with IFIH1-related conditions. This variant is not present in population databases (gnomAD no frequency). This sequence change affects an acceptor splice site in intron 13 of the IFIH1 gene. It is expected to disrupt RNA splicing. Variants that disrupt the donor or acceptor splice site typically lead to a loss of protein function (PMID: 16199547), however the current clinical and genetic evidence is not sufficient to establish whether loss-of-function variants in IFIH1 cause disease.

Literature cited by the submitters: PubMed 16199547.

NM_022168.4(IFIH1):c.2617-1G>T

Gene: IFIH1 (interferon induced with helicase C domain 1; minus strand). Cytogenetic location: 2q24.2.
Variant type: single nucleotide variant.
Coding change: c.2617-1G>T on transcript NM_022168.4 (MANE Select); the canonical splice acceptor site of the intron before coding-DNA position 2617, G replaced by T.
Molecular consequence: splice acceptor variant.
Genome position (GRCh38, 1-based): chr2:162,268,278, C>A on the plus strand (G>T on the coding strand, the complement: IFIH1 is on the minus strand). VCF-style: chr2-162268278-C-A. GRCh37 (hg19) VCF-style: chr2-163124788-C-A.
Identifiers: ClinVar variation 2938070 (VCV002938070.3), dbSNP rs2468944832, ClinGen allele CA348992480.